The following is an entry in ClinVar:

NM_002519.3(NPAT):c.1133A>C (p.Asp378Ala)

Gene: NPAT (nuclear protein, coactivator of histone transcription; minus strand). Cytogenetic location: 11q22.3.
Variant type: single nucleotide variant.
Coding change: c.1133A>C on transcript NM_002519.3 (MANE Select); coding-DNA position 1133, A replaced by C.
Protein change: p.Asp378Ala; replaces aspartic acid 378 with alanine.
Molecular consequence: missense variant.
Genome position (GRCh38, 1-based): chr11:108,173,851, T>G on the plus strand (A>C on the coding strand, the complement: NPAT is on the minus strand). VCF-style: chr11-108173851-T-G. GRCh37 (hg19) VCF-style: chr11-108044578-T-G.
Other names: c.1133A>C, p.Asp378Ala (NM_001321307.1); short protein forms D378A.
Identifiers: ClinVar variation 1728952 (VCV001728952.2), dbSNP rs920995041, ClinGen allele CA228385387.

ClinVar aggregate classification (germline): Uncertain significance (1 of 4 stars; one submission).

Allele frequency attached by ClinVar (database versions not stated): gnomAD 0.00001.

Submission:

Ambry Genetics
Classification: Uncertain significance. Last evaluated: 2023-12-01. Review status: criteria provided, single submitter. Criteria: Ambry Variant Classification Scheme 2023. Collection method: clinical testing. Allele origin: germline.
Comment: The p.D378A variant (also known as c.1133A>C) is located in coding exon 13 of the NPAT gene. The aspartic acid at codon 378 is replaced by alanine, an amino acid with dissimilar properties. This change occurs in the first base pair of coding exon 13. This amino acid position is conserved. In addition, this alteration is predicted to be tolerated by in silico analysis. Since supporting evidence is limited at this time, the clinical significance of this alteration remains unclear.